The following is an entry in ClinVar:

ClinVar aggregate classification (germline): Benign. Review status: criteria provided, multiple submitters, no conflicts (2 of 4 stars). 5 submissions from 5 submitters: Benign (4). 1 of the submissions does not count toward it. Last evaluated 2025-04-09.

Conditions:
SLC4A3-related disorder. Also called: SLC4A3-related condition.

Allele frequency attached by ClinVar (database versions not stated): ESP Exome Variant Server 0.00577; 1000 Genomes Project 0.00200; 1000 Genomes Project 30x 0.00219; gnomAD 0.00461 and 0.00450; ExAC 0.00326; gnomAD exomes 0.00400 and 0.00663; TOPMed 0.00487.
gnomAD v4.1: 10,278 of 1,614,040 alleles (0.64%); highest among the groups gnomAD compares: Non-Finnish European, 0.78%; 55 homozygotes.

Submissions (5):

Molecular Diagnostic Laboratory for Inherited Cardiovascular Disease, Montreal Heart Institute
Classification: Benign. Last evaluated: 2025-04-09. Review status: criteria provided, single submitter. Criteria: ACMG Guidelines, 2015. Collection method: clinical testing. Allele origin: germline. Affected: no.

Mayo Clinic Laboratories, Mayo Clinic
Classification: Benign. Last evaluated: 2023-01-26. Review status: criteria provided, single submitter. Criteria: ACMG Guidelines, 2015. Collection method: clinical testing. Allele origin: germline. Observed: 6 variant alleles.
Comment: BS1, BS2, BP4, BP7

Labcorp Genetics (formerly Invitae), Labcorp
Classification: Benign. Last evaluated: 2019-12-31. Review status: criteria provided, single submitter. Criteria: Invitae Variant Classification Sherloc (09022015). Collection method: clinical testing. Allele origin: germline.

Breakthrough Genomics
Classification: Benign. Review status: criteria provided, single submitter. Criteria: ACMG Guidelines, 2015. Collection method: not provided. Allele origin: germline. Inheritance: Autosomal dominant inheritance. Affected: yes.

PreventionGenetics, part of Exact Sciences
Classification: Likely benign for SLC4A3-related condition. Last evaluated: 2023-01-28. Review status: no assertion criteria provided. Collection method: clinical testing. Allele origin: germline. Not counted in ClinVar's aggregate classification.
Comment: This variant is classified as likely benign based on ACMG/AMP sequence variant interpretation guidelines (Richards et al. 2015 PMID: 25741868, with internal and published modifications).

NM_005070.4(SLC4A3):c.1248C>T (p.Ser416=)

Gene: SLC4A3 (solute carrier family 4 member 3; plus strand). Cytogenetic location: 2q35.
Variant type: single nucleotide variant.
Coding change: c.1248C>T on transcript NM_005070.4 (MANE Select); coding-DNA position 1248, C replaced by T.
Protein change: p.Ser416=; no amino-acid change (serine 416 retained).
Molecular consequence: synonymous variant. On other transcripts: non-coding transcript variant (1).
Genome position (GRCh38, 1-based): chr2:219,632,980, C>T. VCF-style: chr2-219632980-C-T. GRCh37 (hg19) VCF-style: chr2-220497702-C-T.
Other names: p.Ser443=; c.1329C>T, p.Ser443= (NM_001326559.2, NM_201574.3); c.1248C>T (NM_005070.3).
Identifiers: ClinVar variation 773434 (VCV000773434.9), dbSNP rs35138558, ClinGen allele CA2133880.
Genomic context (GRCh38, chr2:219,632,980, plus strand): 5'-ACACCTCGTGGTGGAGACCATGATTGTGTCTGACCAGATCCGGCCGGAGGACAGGGCCAG[C>T]GTCCTACGTACCCTGCTACTGAAGCACAGGTGCCGGGGTGGGTCCCTGGGAGGGGCCTGT-3'
Protein context (NP_005061.3, residues 406-426): SDQIRPEDRA[Ser416=]VLRTLLLKHS